The following is an entry in ClinVar:

NM_001360.3(DHCR7):c.475T>C (p.Phe159Leu)

Gene: DHCR7 (7-dehydrocholesterol reductase; minus strand). Cytogenetic location: 11q13.4.
Variant type: single nucleotide variant.
Coding change: c.475T>C on transcript NM_001360.3 (MANE Select); coding-DNA position 475, T replaced by C.
Protein change: p.Phe159Leu; replaces phenylalanine 159 with leucine.
Molecular consequence: missense variant.
Genome position (GRCh38, 1-based): chr11:71,441,378, A>G on the plus strand (T>C on the coding strand, the complement: DHCR7 is on the minus strand). VCF-style: chr11-71441378-A-G. GRCh37 (hg19) VCF-style: chr11-71152424-A-G.
Other names: c.475T>C, p.Phe159Leu (NM_001163817.2); short protein forms F159L.
Identifiers: ClinVar variation 2179946 (VCV002179946.1), dbSNP rs756416682, ClinGen allele CA6162554.

ClinVar aggregate classification (germline): Uncertain significance (1 of 4 stars; one submission).

Conditions:
Smith-Lemli-Opitz syndrome (SLOS). Also called: RSH SYNDROME; RUTLEDGE LETHAL MULTIPLE CONGENITAL ANOMALY SYNDROME; LETHAL ACRODYSGENITAL SYNDROME; POLYDACTYLY, SEX REVERSAL, RENAL HYPOPLASIA, AND UNILOBAR LUNG; 7-Dehydrocholesterol reductase deficiency. Identifiers: Orphanet 818, MedGen C0175694, MONDO:0010035, OMIM 270400.

Allele frequency attached by ClinVar (database versions not stated): ExAC 0.00001; TOPMed 0.00001.

Submission:

Labcorp Genetics (formerly Invitae), Labcorp
Classification: Uncertain significance for Smith-Lemli-Opitz syndrome. Last evaluated: 2022-06-10. Review status: criteria provided, single submitter. Criteria: Invitae Variant Classification Sherloc (09022015). Collection method: clinical testing. Allele origin: germline.
Comment: This sequence change replaces phenylalanine, which is neutral and non-polar, with leucine, which is neutral and non-polar, at codon 159 of the DHCR7 protein (p.Phe159Leu). This variant is present in population databases (rs756416682, gnomAD 0.003%). This variant has not been reported in the literature in individuals affected with DHCR7-related conditions. Advanced modeling of protein sequence and biophysical properties (such as structural, functional, and spatial information, amino acid conservation, physicochemical variation, residue mobility, and thermodynamic stability) performed at Invitae indicates that this missense variant is not expected to disrupt DHCR7 protein function. In summary, the available evidence is currently insufficient to determine the role of this variant in disease. Therefore, it has been classified as a Variant of Uncertain Significance.